The following is an entry in ClinVar:

ClinVar aggregate classification (germline): Uncertain significance (1 of 4 stars; one submission).

Allele frequency attached by ClinVar (database versions not stated): gnomAD exomes below 0.00001; gnomAD 0.00001.
gnomAD v4.1: 2 of 1,614,074 alleles (0.00012%); highest among the groups gnomAD compares: East Asian, 0.0022%; no homozygotes.

Submission:

Labcorp Genetics (formerly Invitae), Labcorp
Classification: Uncertain significance. Last evaluated: 2022-09-22. Review status: criteria provided, single submitter. Criteria: Invitae Variant Classification Sherloc (09022015). Collection method: clinical testing. Allele origin: germline.
Comment: In summary, the available evidence is currently insufficient to determine the role of this variant in disease. Therefore, it has been classified as a Variant of Uncertain Significance. Algorithms developed to predict the effect of missense changes on protein structure and function (SIFT, PolyPhen-2, Align-GVGD) all suggest that this variant is likely to be disruptive. This variant has not been reported in the literature in individuals affected with NLRP1-related conditions. This variant is present in population databases (no rsID available, gnomAD 0.007%). This sequence change replaces valine, which is neutral and non-polar, with isoleucine, which is neutral and non-polar, at codon 476 of the NLRP1 protein (p.Val476Ile).

NM_033004.4(NLRP1):c.1426G>A (p.Val476Ile)

Gene: NLRP1 (NLR family pyrin domain containing 1; minus strand). Cytogenetic location: 17p13.2.
Variant type: single nucleotide variant.
Coding change: c.1426G>A on transcript NM_033004.4 (MANE Select); coding-DNA position 1426, G replaced by A.
Protein change: p.Val476Ile; replaces valine 476 with isoleucine.
Molecular consequence: missense variant.
Genome position (GRCh38, 1-based): chr17:5,559,270, C>T on the plus strand (G>A on the coding strand, the complement: NLRP1 is on the minus strand). VCF-style: chr17-5559270-C-T. GRCh37 (hg19) VCF-style: chr17-5462590-C-T.
Other names: c.1426G>A, p.Val476Ile (NM_001033053.3, NM_014922.5, NM_033006.4 and 1 more transcripts); short protein forms V476I.
Identifiers: ClinVar variation 1720084 (VCV001720084.5), dbSNP rs1223172032, ClinGen allele CA397385885.